The following is an entry in ClinVar:

NM_172362.3(KCNH1):c.2408C>G (p.Ala803Gly)

Gene: KCNH1 (potassium voltage-gated channel subfamily H member 1; minus strand). Cytogenetic location: 1q32.2.
Variant type: single nucleotide variant.
Coding change: c.2408C>G on transcript NM_172362.3 (MANE Select); coding-DNA position 2408, C replaced by G.
Protein change: p.Ala803Gly; replaces alanine 803 with glycine.
Molecular consequence: missense variant.
Genome position (GRCh38, 1-based): chr1:210,683,843, G>C on the plus strand (C>G on the coding strand, the complement: KCNH1 is on the minus strand). VCF-style: chr1-210683843-G-C. GRCh37 (hg19) VCF-style: chr1-210857185-G-C.
Other names: c.2327C>G, p.Ala776Gly (NM_002238.4); short protein forms A776G, A803G.
Identifiers: ClinVar variation 2997721 (VCV002997721.3), dbSNP rs755800500, ClinGen allele CA1379672.
Genomic context (GRCh38, chr1:210,683,843, plus strand): 5'-CCCAGGCACTCGGACCCTGGCGCCTGTAGCTTTGCGTGGTCTGGCACCCCGGAGGTGGAG[G>C]CTGCCTGGAAGGATACGGGCGTGGCAGGACTCTCACGCACGGTGACCACGCTGGCCTTCA-3'
Protein context (NP_758872.1, residues 793-813): SPATPVSFQA[Ala803Gly]STSGVPDHAK

ClinVar aggregate classification (germline): Uncertain significance (1 of 4 stars; one submission).

Allele frequency attached by ClinVar (database versions not stated): ExAC 0.00002.
gnomAD v4.1: 9 of 1,613,920 alleles (0.00056%); highest among the groups gnomAD compares: East Asian, 0.0022%; no homozygotes.

Submission:

Labcorp Genetics (formerly Invitae), Labcorp
Classification: Uncertain significance. Last evaluated: 2022-12-15. Review status: criteria provided, single submitter. Criteria: Invitae Variant Classification Sherloc (09022015). Collection method: clinical testing. Allele origin: germline.
Comment: In summary, the available evidence is currently insufficient to determine the role of this variant in disease. Therefore, it has been classified as a Variant of Uncertain Significance. Advanced modeling of protein sequence and biophysical properties (such as structural, functional, and spatial information, amino acid conservation, physicochemical variation, residue mobility, and thermodynamic stability) performed at Invitae indicates that this missense variant is not expected to disrupt KCNH1 protein function. This variant has not been reported in the literature in individuals affected with KCNH1-related conditions. The frequency data for this variant in the population databases is considered unreliable, as metrics indicate poor data quality at this position in the gnomAD database. This sequence change replaces alanine, which is neutral and non-polar, with glycine, which is neutral and non-polar, at codon 803 of the KCNH1 protein (p.Ala803Gly).